The following is an entry in ClinVar:

NM_000038.6(APC):c.6905C>G (p.Ser2302Ter)

Gene: APC (APC regulator of Wnt signaling pathway; plus strand). Cytogenetic location: 5q22.2.
Variant type: single nucleotide variant.
Coding change: c.6905C>G on transcript NM_000038.6 (MANE Select); coding-DNA position 6905, C replaced by G.
Protein change: p.Ser2302Ter; replaces serine 2302 with a stop codon.
Molecular consequence: nonsense.
Genome position (GRCh38, 1-based): chr5:112,842,499, C>G. VCF-style: chr5-112842499-C-G. GRCh37 (hg19) VCF-style: chr5-112178196-C-G.
Other names: NM_000038.6(APC):c.6905C>G; p.Ser2302Ter; c.6905C>G, p.Ser2302Ter (NM_001127510.3, NM_001354895.2); c.6851C>G, p.Ser2284Ter (NM_001127511.3); c.6959C>G, p.Ser2320Ter (NM_001354896.2); c.6935C>G, p.Ser2312Ter (NM_001354897.2); c.6830C>G, p.Ser2277Ter (NM_001354898.2); c.6821C>G, p.Ser2274Ter (NM_001354899.2); and 7 more; short protein forms S2284*, S2302*, S2142*, S2176*, S2261*, S2019*, S2211*, S2243*.
Identifiers: ClinVar variation 428166 (VCV000428166.5), dbSNP rs767372014, ClinGen allele CA046422.

ClinVar aggregate classification (germline): Likely pathogenic. Review status: reviewed by expert panel (3 of 4 stars). 2 submissions from 2 submitters: Likely pathogenic (1). 1 of the submissions does not count toward it. Last evaluated 2025-05-15.

Conditions:
Familial adenomatous polyposis 1 (FAP1). Also called: FAMILIAL ADENOMATOUS POLYPOSIS 1, ATTENUATED; POLYPOSIS, ADENOMATOUS INTESTINAL. Identifiers: MedGen C2713442, MONDO:0021056, OMIM 175100. Disease mechanism: loss of function.
Hereditary cancer-predisposing syndrome. Also called: Hereditary Cancer Syndrome; Neoplastic Syndromes, Hereditary; Hereditary neoplastic syndrome; Tumor predisposition. Identifiers: Orphanet 140162, MedGen C0027672, MeSH D009386, MONDO:0015356.

Allele frequency attached by ClinVar (database versions not stated): gnomAD exomes below 0.00001; ExAC 0.00001.
gnomAD v4.1: 1 of 1,614,036 alleles (0.000062%); highest among the groups gnomAD compares: Non-Finnish European, 0.000085%; no homozygotes.

Submissions (2):

ClinGen InSiGHT Hereditary Colorectal Cancer/Polyposis Variant Curation Expert Panel
Classification: Likely pathogenic for Familial adenomatous polyposis 1. Last evaluated: 2025-05-15. Review status: reviewed by expert panel. Criteria: ClinGen InSiGHT HCCP VCEP ACMG Specifications APC V1. Collection method: curation. Allele origin: germline. Inheritance: Autosomal dominant inheritance.
Comment: The NM_000038.6(APC):c.6905C>G (p.Ser2302Ter) variant in APC is a nonsense variant located between codon 49 and 2645 and predicted to cause a premature stop codon in exon 16 in a gene in which loss-of-function is an established disease mechanism (PVS1). The variant has been reported in 1 proband with a colorectal cancer/polyposis associated phenotype not meeting phenotypic criteria (PS4 not met; Ambry Genetics). The total minor allele frequency in gnomAD v2.1.1 (non-cancer) is 0.000004228 (1/236522 alleles), which is lower than the ClinGen InSiGHT Hereditary Colorectal Cancer/Polyposis VCEP (HCCP VCEP) threshold < 0.001% (0.00001) for PM2_Supporting if the allele count is ≤ 1 and therefore meets this criterion (PM2_Supporting). In summary, this variant meets the criteria to be classified as Likely Pathogenic for autosomal-dominant inherited FAP based on the ACMG/AMP criteria applied, as specified by the ClinGen InSiGHT Hereditary Colorectal Cancer/Polyposis VCEP: PVS1 and PM2_Supporting (VCEP specifications version v2.1.0; date of approval 11/24/2023).

Ambry Genetics
Classification: Pathogenic for Hereditary cancer-predisposing syndrome. Last evaluated: 2017-09-14. Review status: criteria provided, single submitter. Criteria: Ambry Variant Classification Scheme 2023. Collection method: clinical testing. Allele origin: germline. Not counted in ClinVar's aggregate classification.
Comment: The p.S2302* pathogenic mutation (also known as c.6905C>G), located in coding exon 15 of the APC gene, results from a C to G substitution at nucleotide position 6905. This changes the amino acid from a serine to a stop codon within coding exon 15. This alteration is expected to result in loss of function by premature protein truncation. As such, this alteration is interpreted as a disease-causing mutation.